The following is an entry in ClinVar:

NM_000195.5(HPS1):c.1393T>C (p.Trp465Arg)

Gene: HPS1 (HPS1 biogenesis of lysosomal organelles complex 3 subunit 1; minus strand). Cytogenetic location: 10q24.2.
Variant type: single nucleotide variant.
Coding change: c.1393T>C on transcript NM_000195.5 (MANE Select); coding-DNA position 1393, T replaced by C.
Protein change: p.Trp465Arg; replaces tryptophan 465 with arginine.
Molecular consequence: missense variant.
Genome position (GRCh38, 1-based): chr10:98,424,317, A>G on the plus strand (T>C on the coding strand, the complement: HPS1 is on the minus strand). VCF-style: chr10-98424317-A-G. GRCh37 (hg19) VCF-style: chr10-100184074-A-G.
Other names: c.421T>C, p.Trp141Arg (NM_001311345.2, NM_001322487.2, NM_001322489.2); c.1393T>C, p.Trp465Arg (NM_001322476.2, NM_001322477.2); c.1294T>C, p.Trp432Arg (NM_001322478.2, NM_001322479.2); c.1132T>C, p.Trp378Arg (NM_001322480.2, NM_001322481.2); c.1033T>C, p.Trp345Arg (NM_001322482.2); c.1024T>C, p.Trp342Arg (NM_001322483.2, NM_001322484.2); c.925T>C, p.Trp309Arg (NM_001322485.2); short protein forms W141R, W309R, W342R, W345R, W378R, W432R, W465R.
Identifiers: ClinVar variation 3068851 (VCV003068851.2), dbSNP rs2538818130, ClinGen allele CA378046751.

ClinVar aggregate classification (germline): Uncertain significance (1 of 4 stars; one submission).

Submission:

Women's Health and Genetics/Laboratory Corporation of America, LabCorp
Classification: Uncertain significance. Last evaluated: 2024-02-13. Review status: criteria provided, single submitter. Criteria: LabCorp Variant Classification Summary - May 2015. Collection method: clinical testing. Allele origin: germline.
Comment: Variant summary: HPS1 c.1393T>C (p.Trp465Arg) results in a non-conservative amino acid change in the encoded protein sequence. Four of five in-silico tools predict a benign effect of the variant on protein function. The variant was absent in 248516 control chromosomes. The available data on variant occurrences in the general population are insufficient to allow any conclusion about variant significance. To our knowledge, no occurrence of c.1393T>C in individuals affected with Hermansky-Pudlak Syndrome and no experimental evidence demonstrating its impact on protein function have been reported. No submitters have cited clinical-significance assessments for this variant to ClinVar. Based on the evidence outlined above, the variant was classified as uncertain significance.